The following is an entry in ClinVar:

NM_205836.3(FBXO38):c.2751G>A (p.Val917=)

Gene: FBXO38 (F-box protein 38; plus strand). Cytogenetic location: 5q32.
Variant type: single nucleotide variant.
Coding change: c.2751G>A on transcript NM_205836.3 (MANE Select); coding-DNA position 2751, G replaced by A.
Protein change: p.Val917=; no amino-acid change (valine 917 retained).
Molecular consequence: synonymous variant.
Genome position (GRCh38, 1-based): chr5:148,433,521, G>A. VCF-style: chr5-148433521-G-A. GRCh37 (hg19) VCF-style: chr5-147813084-G-A.
Other names: c.2526G>A (NM_030793.4); c.2016G>A, p.Val672= (NM_001271723.2); c.2526G>A, p.Val842= (NM_030793.5).
Identifiers: ClinVar variation 1601438 (VCV001601438.9), dbSNP rs201169649, ClinGen allele CA3497579.

ClinVar aggregate classification (germline): Benign/Likely benign. Review status: criteria provided, multiple submitters, no conflicts (2 of 4 stars). 2 submissions from 2 submitters: Benign (1); Likely benign (1). Last evaluated 2026-09-17.

Conditions:
FBXO38-related disorder. Also called: FBXO38-related condition.
Distal hereditary motor neuropathy type 2. Identifiers: Orphanet 139525, MedGen C3711384, MeSH C580044, MONDO:0015352.

Allele frequency attached by ClinVar (database versions not stated): gnomAD exomes 0.00003 and 0.00017; gnomAD 0.00004 and 0.00007; TOPMed 0.00006; ExAC 0.00012; 1000 Genomes Project 30x 0.00062; 1000 Genomes Project 0.00080.
gnomAD v4.1: 57 of 1,609,860 alleles (0.0035%); highest among the groups gnomAD compares: East Asian, 0.12%; no homozygotes.

Submissions (2):

PreventionGenetics, part of Exact Sciences
Classification: Likely benign for FBXO38-related condition. Last evaluated: 2026-09-17. Review status: criteria provided, single submitter. Criteria: ACMG Guidelines, 2015. Collection method: clinical testing. Allele origin: germline.
Comment: This variant is classified as likely benign based on ACMG/AMP sequence variant interpretation guidelines (Richards et al. 2015 PMID: 25741868, with internal and published modifications).

Labcorp Genetics (formerly Invitae), Labcorp
Classification: Benign for Distal hereditary motor neuropathy type 2. Last evaluated: 2026-01-12. Review status: criteria provided, single submitter. Criteria: Invitae Variant Classification Sherloc (09022015). Collection method: clinical testing. Allele origin: germline.